The following is an entry in ClinVar:

ClinVar aggregate classification (germline): Likely benign. Review status: criteria provided, multiple submitters, no conflicts (2 of 4 stars). 3 submissions from 3 submitters: Likely benign (3). Last evaluated 2025-07-07.

Conditions:
Congenital myasthenic syndrome 8. Also called: Myasthenic syndrome, congenital, 8, with pre- and postsynaptic defects; MYASTHENIC SYNDROME, CONGENITAL, DUE TO AGRIN DEFICIENCY. Identifiers: Orphanet 590, MedGen C3808739, MONDO:0014052, OMIM 615120.

Allele frequency attached by ClinVar (database versions not stated): gnomAD 0.00002 and 0.00010; gnomAD exomes 0.00022 and 0.00035; ExAC 0.00039; 1000 Genomes Project 30x 0.00047; 1000 Genomes Project 0.00060.
gnomAD v4.1: 335 of 1,609,304 alleles (0.021%); highest among the groups gnomAD compares: South Asian, 0.26%; 2 homozygotes.

Submissions (3):

Labcorp Genetics (formerly Invitae), Labcorp
Classification: Likely benign for Congenital myasthenic syndrome 8. Last evaluated: 2025-07-07. Review status: criteria provided, single submitter. Criteria: Invitae Variant Classification Sherloc (09022015). Collection method: clinical testing. Allele origin: germline.

Blueprint Genetics
Classification: Likely benign. Last evaluated: 2024-11-18. Review status: criteria provided, single submitter. Criteria: ACMG Guidelines, 2015. Collection method: clinical testing. Allele origin: germline.

CeGaT Center for Human Genetics Tuebingen
Classification: Likely benign. Last evaluated: 2022-07-01. Review status: criteria provided, single submitter. Criteria: CeGaT Center For Human Genetics Tuebingen Variant Classification Criteria Version 2. Collection method: clinical testing. Allele origin: germline. Affected: yes. Observed: 1 variant allele.
Comment: AGRN: BP4, BP7

NM_198576.4(AGRN):c.1902C>T (p.Ser634=)

Gene: AGRN (agrin; plus strand). Cytogenetic location: 1p36.33.
Variant type: single nucleotide variant.
Coding change: c.1902C>T on transcript NM_198576.4 (MANE Select); coding-DNA position 1902, C replaced by T.
Protein change: p.Ser634=; no amino-acid change (serine 634 retained).
Molecular consequence: synonymous variant.
Genome position (GRCh38, 1-based): chr1:1,043,926, C>T. VCF-style: chr1-1043926-C-T. GRCh37 (hg19) VCF-style: chr1-979306-C-T.
Other names: c.1902C>T, p.Ser634= (NM_001305275.2); c.1587C>T, p.Ser529= (NM_001364727.2).
Identifiers: ClinVar variation 1122911 (VCV001122911.33), dbSNP rs549820648, ClinGen allele CA508374.